The following is an entry in ClinVar:

ClinVar aggregate classification (germline): Uncertain significance (1 of 4 stars; one submission).

Conditions:
Hereditary cancer-predisposing syndrome. Also called: Neoplastic Syndromes, Hereditary; Tumor predisposition; Hereditary Cancer Syndrome; Hereditary neoplastic syndrome. Identifiers: Orphanet 140162, MedGen C0027672, MeSH D009386, MONDO:0015356.

Submission:

Ambry Genetics
Classification: Uncertain significance for Hereditary cancer-predisposing syndrome. Last evaluated: 2022-02-28. Review status: criteria provided, single submitter. Criteria: Ambry Variant Classification Scheme 2023. Collection method: clinical testing. Allele origin: germline.
Comment: The p.A248T variant (also known as c.742G>A), located in coding exon 6 of the CDK4 gene, results from a G to A substitution at nucleotide position 742. The alanine at codon 248 is replaced by threonine, an amino acid with similar properties. This amino acid position is well conserved in available vertebrate species. In addition, this alteration is predicted to be tolerated by in silico analysis. Since supporting evidence is limited at this time, the clinical significance of this alteration remains unclear.

NM_000075.4(CDK4):c.742G>A (p.Ala248Thr)

Genes: CDK4 (cyclin dependent kinase 4; minus strand), TSPAN31 (tetraspanin 31; plus strand). Cytogenetic location: 12q14.1.
Variant type: single nucleotide variant.
Coding change: c.742G>A on transcript NM_000075.4 (MANE Select); coding-DNA position 742, G replaced by A.
Protein change: p.Ala248Thr; replaces alanine 248 with threonine.
Molecular consequence: missense variant. On other transcripts: 3 prime UTR variant (3).
Genome position (GRCh38, 1-based): chr12:57,749,259, C>T on the plus strand (G>A on the coding strand, the complement: CDK4 is on the minus strand). VCF-style: chr12-57749259-C-T. GRCh37 (hg19) VCF-style: chr12-58143042-C-T.
Other names: c.*1969C>T (NM_001330168.2, NM_001330169.2, NM_005981.5); short protein forms A248T.
Identifiers: ClinVar variation 1758877 (VCV001758877.2), dbSNP rs2140382918, ClinGen allele CA385543390.